The following is an entry in ClinVar:

ClinVar aggregate classification (germline): Pathogenic. Review status: criteria provided, multiple submitters, no conflicts (2 of 4 stars). 3 submissions from 3 submitters: Pathogenic (3). Last evaluated 2026-09-08.

Conditions:
Fabry disease. Also called: Ceramide trihexosidosis; GLA DEFICIENCY; HEREDITARY DYSTOPIC LIPIDOSIS; Angiokeratoma corporis diffusum; Fabry's disease; ALPHA-GALACTOSIDASE A DEFICIENCY. Identifiers: Orphanet 324, MedGen C0002986, MONDO:0010526, OMIM 301500, HP:0001071. Disease mechanism: Fabry disease is due to inactivating mutations in the X-linked GLA gene resulting in deficiency of the enzyme Alpha Galactosidase-A., loss of function.

Submissions (3):

Genomenon, Inc
Classification: Pathogenic for Fabry disease. Last evaluated: 2026-09-08. Review status: criteria provided, single submitter. Criteria: Genomenon Sequence Variant Interpretation Standards - Updated. Collection method: curation. Allele origin: germline. Affected: yes.
Comment: GLA p.Ala348GlyfsTer27 (c.1042dup) is a frameshift variant that is predicted to introduce a premature termination codon and result in a truncated or absent protein product. This variant has been observed in at least one proband with clinical features consistent with Fabry disease (PMID:12175777;12428061;30834538;33437642;26018987;37940383;39669636). The variant was found to segregate with disease in at least one affected family (PMID:33437642). Functional or patient cell studies have been reported (PMID:30834538;18698230). It is absent or not present at a significant frequency in gnomAD. In conclusion, we classify GLA p.Ala348GlyfsTer27 (c.1042dup) as a pathogenic variant.

Labcorp Genetics (formerly Invitae), Labcorp
Classification: Pathogenic for Fabry disease. Last evaluated: 2025-09-22. Review status: criteria provided, single submitter. Criteria: Invitae Variant Classification Sherloc (09022015). Collection method: clinical testing. Allele origin: germline.
Comment: This sequence change creates a premature translational stop signal (p.Ala348Glyfs*27) in the GLA gene. While this is not anticipated to result in nonsense mediated decay, it is expected to disrupt the last 82 amino acid(s) of the GLA protein. This variant is not present in population databases (gnomAD no frequency). This premature translational stop signal has been observed in individuals with Fabry disease (PMID: 12175777, 33437642). ClinVar contains an entry for this variant (Variation ID: 1323006). Algorithms developed to predict the effect of sequence changes on RNA splicing suggest that this variant may disrupt the consensus splice site. This variant disrupts a region of the GLA protein in which other variant(s) (p.Pro409Ser) have been determined to be pathogenic (PMID: 12428061, 28768754, 31392112; internal data). This suggests that this is a clinically significant region of the protein, and that variants that disrupt it are likely to be disease-causing. For these reasons, this variant has been classified as Pathogenic.

Revvity Omics, Revvity
Classification: Pathogenic. Last evaluated: 2024-12-13. Review status: criteria provided, single submitter. Criteria: ACMG Guidelines, 2015. Collection method: clinical testing. Allele origin: germline.

Literature cited by the submitters: PubMed 12175777 (cited by Genomenon, Inc and Labcorp Genetics (formerly Invitae), Labcorp); PubMed 12428061 (cited by Genomenon, Inc and Labcorp Genetics (formerly Invitae), Labcorp); PubMed 30834538 (cited by Genomenon, Inc); PubMed 33437642 (cited by Genomenon, Inc and Labcorp Genetics (formerly Invitae), Labcorp); PubMed 26018987 (cited by Genomenon, Inc); PubMed 37940383 (cited by Genomenon, Inc); PubMed 39669636 (cited by Genomenon, Inc); PubMed 18698230 (cited by Genomenon, Inc); PubMed 28768754 (cited by Labcorp Genetics (formerly Invitae), Labcorp); PubMed 31392112 (cited by Labcorp Genetics (formerly Invitae), Labcorp).

NM_000169.3(GLA):c.1042dup (p.Ala348fs)

Genes: GLA (galactosidase alpha; minus strand), RPL36A-HNRNPH2 (RPL36A-HNRNPH2 readthrough; plus strand). Cytogenetic location: Xq22.1.
Variant type: Duplication.
Coding change: c.1042dup on transcript NM_000169.3 (MANE Select); coding-DNA position 1042, one base duplicated (G; older notation c.1042dupG).
Protein change: p.Ala348fs; shifts the reading frame from alanine 348.
Molecular consequence: frameshift variant. On other transcripts: non-coding transcript variant (3), intron variant (2).
Genome position (GRCh38, 1-based): chrX:101,398,057, C duplicated on the plus strand (G on the coding strand, the reverse complement: GLA is on the minus strand). VCF-style (leftmost placement, unchanged base first): chrX-101398056-G-GC. GRCh37 (hg19) VCF-style: chrX-100653044-G-GC.
Other names: c.1165dup, p.Ala389fs (NM_001406747.1); c.300+2600dup (NM_001199973.2); c.177+6235dup (NM_001199974.2); short protein forms A348fs, A389fs.
Identifiers: ClinVar variation 1323006 (VCV001323006.9), dbSNP rs2147471207, ClinGen allele CA517736553.